The following is an entry in ClinVar:

NM_000334.4(SCN4A):c.5118G>C (p.Met1706Ile)

Genes: GH-LCR (growth hormone locus control region; plus strand), SCN4A (sodium voltage-gated channel alpha subunit 4; minus strand). Cytogenetic location: 17q23.3.
Variant type: single nucleotide variant.
Coding change: c.5118G>C on transcript NM_000334.4 (MANE Select); coding-DNA position 5118, G replaced by C.
Protein change: p.Met1706Ile; replaces methionine 1706 with isoleucine.
Molecular consequence: missense variant.
Genome position (GRCh38, 1-based): chr17:63,941,164, C>G on the plus strand (G>C on the coding strand, the complement: SCN4A is on the minus strand). VCF-style: chr17-63941164-C-G. GRCh37 (hg19) VCF-style: chr17-62018524-C-G.
Other names: short protein forms M1706I.
Identifiers: ClinVar variation 4747009 (VCV004747009.1).

ClinVar aggregate classification (germline): Uncertain significance (1 of 4 stars; one submission).

Conditions:
Hyperkalemic periodic paralysis. Also called: Familial hyperkalemic periodic paralysis; Gamstorp disease. Identifiers: Orphanet 682, MedGen C0238357, MONDO:0008224, OMIM 170500, HP:0007215.

Submission:

Labcorp Genetics (formerly Invitae), Labcorp
Classification: Uncertain significance for Hyperkalemic periodic paralysis. Last evaluated: 2025-08-30. Review status: criteria provided, single submitter. Criteria: Invitae Variant Classification Sherloc (09022015). Collection method: clinical testing. Allele origin: germline.
Comment: This sequence change replaces methionine, which is neutral and non-polar, with isoleucine, which is neutral and non-polar, at codon 1706 of the SCN4A protein (p.Met1706Ile). This variant is not present in population databases (gnomAD no frequency). This variant has not been reported in the literature in individuals affected with SCN4A-related conditions. Invitae Evidence Modeling of protein sequence and biophysical properties (such as structural, functional, and spatial information, amino acid conservation, physicochemical variation, residue mobility, and thermodynamic stability) indicates that this missense variant is not expected to disrupt SCN4A protein function with a negative predictive value of 95%. In summary, the available evidence is currently insufficient to determine the role of this variant in disease. Therefore, it has been classified as a Variant of Uncertain Significance.